The following is an entry in ClinVar:

ClinVar aggregate classification (germline): Uncertain significance (1 of 4 stars; one submission).

Conditions:
Malignant hyperthermia, susceptibility to, 5 (MHS5). Also called: CACNA1S-Related Malignant Hyperthermia Susceptibility. Identifiers: Orphanet 423, MedGen C1866077, MONDO:0011163, OMIM 601887.
Hypokalemic periodic paralysis, type 1. Also called: Hypokalemic Periodic Paralysis Type 1 (AD); HypoPP. Identifiers: Orphanet 681, MedGen C3714580, MONDO:0042979, OMIM 170400.

Allele frequency attached by ClinVar (database versions not stated): gnomAD exomes below 0.00001; TOPMed below 0.00001.
gnomAD v4.1: 2 of 1,613,826 alleles (0.00012%); highest among the groups gnomAD compares: Non-Finnish European, 0.000085%; no homozygotes.

Submission:

Labcorp Genetics (formerly Invitae), Labcorp
Classification: Uncertain significance for Hypokalemic periodic paralysis, type 1; Malignant hyperthermia, susceptibility to, 5. Last evaluated: 2023-09-28. Review status: criteria provided, single submitter. Criteria: Invitae Variant Classification Sherloc (09022015). Collection method: clinical testing. Allele origin: germline.
Comment: This sequence change replaces glycine, which is neutral and non-polar, with arginine, which is basic and polar, at codon 1211 of the CACNA1S protein (p.Gly1211Arg). This variant is present in population databases (no rsID available, gnomAD 0.0009%). This variant has not been reported in the literature in individuals affected with CACNA1S-related conditions. Advanced modeling of protein sequence and biophysical properties (such as structural, functional, and spatial information, amino acid conservation, physicochemical variation, residue mobility, and thermodynamic stability) performed at Invitae indicates that this missense variant is not expected to disrupt CACNA1S protein function. In summary, the available evidence is currently insufficient to determine the role of this variant in disease. Therefore, it has been classified as a Variant of Uncertain Significance.

NM_000069.3(CACNA1S):c.3631G>A (p.Gly1211Arg)

Gene: CACNA1S (calcium voltage-gated channel subunit alpha1 S; minus strand). Cytogenetic location: 1q32.1.
Variant type: single nucleotide variant.
Coding change: c.3631G>A on transcript NM_000069.3 (MANE Select); coding-DNA position 3631, G replaced by A.
Protein change: p.Gly1211Arg; replaces glycine 1211 with arginine.
Molecular consequence: missense variant.
Genome position (GRCh38, 1-based): chr1:201,054,540, C>T on the plus strand (G>A on the coding strand, the complement: CACNA1S is on the minus strand). VCF-style: chr1-201054540-C-T. GRCh37 (hg19) VCF-style: chr1-201023668-C-T.
Other names: short protein forms G1211R.
Identifiers: ClinVar variation 2925713 (VCV002925713.3), dbSNP rs1174808695, ClinGen allele CA344155978.